The following is an entry in ClinVar:

ClinVar aggregate classification (germline): Uncertain significance (1 of 4 stars; one submission).

Conditions:
Severe combined immunodeficiency due to IKK2 deficiency. Also called: Immunodeficiency 15; IMMUNODEFICIENCY 15B. Identifiers: Orphanet 397787, MedGen C4747743, MONDO:0014267, OMIM 615592.

Submission:

Labcorp Genetics (formerly Invitae), Labcorp
Classification: Uncertain significance for Severe combined immunodeficiency due to IKK2 deficiency. Last evaluated: 2022-03-28. Review status: criteria provided, single submitter. Criteria: Invitae Variant Classification Sherloc (09022015). Collection method: clinical testing. Allele origin: germline.
Comment: Variants that disrupt the consensus splice site are a relatively common cause of aberrant splicing (PMID: 17576681, 9536098). Algorithms developed to predict the effect of sequence changes on RNA splicing suggest that this variant may disrupt the consensus splice site. This sequence change falls in intron 16 of the IKBKB gene. It does not directly change the encoded amino acid sequence of the IKBKB protein. It affects a nucleotide within the consensus splice site. This variant is not present in population databases (gnomAD no frequency). This variant has not been reported in the literature in individuals affected with IKBKB-related conditions. In summary, the available evidence is currently insufficient to determine the role of this variant in disease. Therefore, it has been classified as a Variant of Uncertain Significance.

Literature cited by the submitters: PubMed 17576681; PubMed 9536098.

NM_001556.3(IKBKB):c.1688+5G>A

Gene: IKBKB (inhibitor of nuclear factor kappa B kinase subunit beta; plus strand). Cytogenetic location: 8p11.21.
Variant type: single nucleotide variant.
Coding change: c.1688+5G>A on transcript NM_001556.3 (MANE Select); 5 bases into the intron after coding-DNA position 1688, G replaced by A.
Molecular consequence: intron variant.
Genome position (GRCh38, 1-based): chr8:42,320,849, G>A. VCF-style: chr8-42320849-G-A. GRCh37 (hg19) VCF-style: chr8-42178367-G-A.
Other names: c.1511+5G>A (NM_001242778.2); c.1496+5G>A (NM_001190720.3).
Identifiers: ClinVar variation 2118881 (VCV002118881.3), dbSNP rs2487715486, ClinGen allele CA2580078313.